The following is an entry in ClinVar:

ClinVar aggregate classification (germline): Uncertain significance (1 of 4 stars; one submission).

Allele frequency attached by ClinVar (database versions not stated): gnomAD exomes 0.00002; TOPMed 0.00008; gnomAD 0.00010.
gnomAD v4.1: 38 of 1,491,784 alleles (0.0025%); highest among the groups gnomAD compares: African/African-American, 0.016%; no homozygotes.

Submission:

Labcorp Genetics (formerly Invitae), Labcorp
Classification: Uncertain significance. Last evaluated: 2023-06-20. Review status: criteria provided, single submitter. Criteria: Invitae Variant Classification Sherloc (09022015). Collection method: clinical testing. Allele origin: germline.
Comment: This sequence change replaces glycine, which is neutral and non-polar, with serine, which is neutral and polar, at codon 19 of the CPOX protein (p.Gly19Ser). In summary, the available evidence is currently insufficient to determine the role of this variant in disease. Therefore, it has been classified as a Variant of Uncertain Significance. An algorithm developed to predict the effect of missense changes on protein structure and function (PolyPhen-2) suggests that this variant is likely to be tolerated. This variant has not been reported in the literature in individuals affected with CPOX-related conditions. This variant is present in population databases (no rsID available, gnomAD 0.03%).

NM_000097.7(CPOX):c.55G>A (p.Gly19Ser)

Genes: CPOX (coproporphyrinogen oxidase; minus strand), LOC129937121 (ATAC-STARR-seq lymphoblastoid silent region 14560; plus strand). Cytogenetic location: 3q11.2.
Variant type: single nucleotide variant.
Coding change: c.55G>A on transcript NM_000097.7 (MANE Select); coding-DNA position 55, G replaced by A.
Protein change: p.Gly19Ser; replaces glycine 19 with serine.
Molecular consequence: missense variant.
Genome position (GRCh38, 1-based): chr3:98,593,450, C>T on the plus strand (G>A on the coding strand, the complement: CPOX is on the minus strand). VCF-style: chr3-98593450-C-T. GRCh37 (hg19) VCF-style: chr3-98312294-C-T.
Other names: short protein forms G19S.
Identifiers: ClinVar variation 3021906 (VCV003021906.3), dbSNP rs908488631, ClinGen allele CA80083880.
Genomic context (GRCh38, chr3:98,593,450, plus strand): 5'-ACCAGGCTCGGAGCCCTCCGCCGCCGCACTGGGACCAGGCGCGGGGCCCTCCGCAGCCGC[C>T]CCGCGCCACGAGCCAGCAGGGGCCCGAGCTCAGCCTGCCCAGCTGCAAGGCCATGTTCCC-3'
Protein context (NP_000088.3, residues 9-29): SSGPCWLVAR[Gly19Ser]GCGGPRAWSQ